The following is an entry in ClinVar:

NM_001377295.2(GNAT2):c.421G>A (p.Glu141Lys)

Gene: GNAT2 (G protein subunit alpha transducin 2; minus strand). Cytogenetic location: 1p13.3.
Variant type: single nucleotide variant.
Coding change: c.421G>A on transcript NM_001377295.2 (MANE Select); coding-DNA position 421, G replaced by A.
Protein change: p.Glu141Lys; replaces glutamic acid 141 with lysine.
Molecular consequence: missense variant.
Genome position (GRCh38, 1-based): chr1:109,608,671, C>T on the plus strand (G>A on the coding strand, the complement: GNAT2 is on the minus strand). VCF-style: chr1-109608671-C-T. GRCh37 (hg19) VCF-style: chr1-110151293-C-T.
Other names: c.421G>A, p.Glu141Lys (NM_001379232.1, NM_005272.5); c.421G>A (NM_005272.3); short protein forms E141K.
Identifiers: ClinVar variation 1003288 (VCV001003288.7), dbSNP rs768086755, ClinGen allele CA992431.

ClinVar aggregate classification (germline): Uncertain significance. Review status: criteria provided, multiple submitters, no conflicts (2 of 4 stars). 2 submissions from 2 submitters: Uncertain significance (2). Last evaluated 2024-08-14.

Conditions:
Inborn genetic diseases. Identifiers: MedGen C0950123, MeSH D030342.

Allele frequency attached by ClinVar (database versions not stated): ExAC 0.00001; gnomAD 0.00001; TOPMed 0.00001; gnomAD exomes 0.00002.
gnomAD v4.1: 35 of 1,613,974 alleles (0.0022%); highest among the groups gnomAD compares: Non-Finnish European, 0.0028%; no homozygotes.

Submissions (2):

Ambry Genetics
Classification: Uncertain significance for Inborn genetic diseases. Last evaluated: 2024-08-14. Review status: criteria provided, single submitter. Criteria: Ambry Variant Classification Scheme 2023. Collection method: clinical testing. Allele origin: germline.

Labcorp Genetics (formerly Invitae), Labcorp
Classification: Uncertain significance. Last evaluated: 2022-09-27. Review status: criteria provided, single submitter. Criteria: Invitae Variant Classification Sherloc (09022015). Collection method: clinical testing. Allele origin: germline.
Comment: In summary, the available evidence is currently insufficient to determine the role of this variant in disease. Therefore, it has been classified as a Variant of Uncertain Significance. Advanced modeling of protein sequence and biophysical properties (such as structural, functional, and spatial information, amino acid conservation, physicochemical variation, residue mobility, and thermodynamic stability) performed at Invitae indicates that this missense variant is not expected to disrupt GNAT2 protein function. ClinVar contains an entry for this variant (Variation ID: 1003288). This variant has not been reported in the literature in individuals affected with GNAT2-related conditions. This variant is present in population databases (rs768086755, gnomAD 0.005%). This sequence change replaces glutamic acid, which is acidic and polar, with lysine, which is basic and polar, at codon 141 of the GNAT2 protein (p.Glu141Lys).